The following is an entry in ClinVar:

NM_001370259.2(MEN1):c.733C>A (p.Pro245Thr)

Gene: MEN1 (menin 1; minus strand). Cytogenetic location: 11q13.1.
Variant type: single nucleotide variant.
Coding change: c.733C>A on transcript NM_001370259.2 (MANE Select); coding-DNA position 733, C replaced by A.
Protein change: p.Pro245Thr; replaces proline 245 with threonine.
Molecular consequence: missense variant. On other transcripts: non-coding transcript variant (4).
Genome position (GRCh38, 1-based): chr11:64,807,602, G>T on the plus strand (C>A on the coding strand, the complement: MEN1 is on the minus strand). VCF-style: chr11-64807602-G-T. GRCh37 (hg19) VCF-style: chr11-64575074-G-T.
Other names: c.628C>A, p.Pro210Thr (NM_001407148.1, NM_001407149.1, NM_001407151.1 and 2 more transcripts); c.748C>A, p.Pro250Thr (NM_001407150.1, NM_130800.3, NM_130801.3 and 5 more transcripts); c.733C>A, p.Pro245Thr (NM_001407152.1, NM_130799.3, NM_001370251.2 and 7 more transcripts); short protein forms P250T, P210T, P245T.
Identifiers: ClinVar variation 2564965 (VCV002564965.3), dbSNP rs1373521153, ClinGen allele CA381184384.

ClinVar aggregate classification (germline): Uncertain significance (1 of 4 stars; one submission).

Conditions:
Hereditary cancer-predisposing syndrome. Also called: Neoplastic Syndromes, Hereditary; Tumor predisposition; Hereditary Cancer Syndrome; Hereditary neoplastic syndrome. Identifiers: Orphanet 140162, MedGen C0027672, MeSH D009386, MONDO:0015356.

Submission:

Ambry Genetics
Classification: Uncertain significance for Hereditary cancer-predisposing syndrome. Last evaluated: 2026-03-24. Review status: criteria provided, single submitter. Criteria: Ambry Variant Classification Scheme 2023. Collection method: clinical testing. Allele origin: germline.
Comment: The p.P245T variant (also known as c.733C>A), located in coding exon 3 of the MEN1 gene, results from a C to A substitution at nucleotide position 733. The proline at codon 245 is replaced by threonine, an amino acid with highly similar properties. This amino acid position is highly conserved in available vertebrate species. In addition, this alteration is predicted to be deleterious by in silico analysis. Based on the available evidence, the clinical significance of this variant remains unclear.